The following is an entry in ClinVar:

NM_032776.3(JMJD1C):c.257A>G (p.His86Arg)

Gene: JMJD1C (jumonji domain containing 1C; minus strand). Cytogenetic location: 10q21.3.
Variant type: single nucleotide variant.
Coding change: c.257A>G on transcript NM_032776.3 (MANE Select); coding-DNA position 257, A replaced by G.
Protein change: p.His86Arg; replaces histidine 86 with arginine.
Molecular consequence: missense variant. On other transcripts: 5 prime UTR variant (2).
Genome position (GRCh38, 1-based): chr10:63,380,394, T>C on the plus strand (A>G on the coding strand, the complement: JMJD1C is on the minus strand). VCF-style: chr10-63380394-T-C. GRCh37 (hg19) VCF-style: chr10-65140154-T-C.
Other names: c.-290A>G (NM_001318154.2); c.257A>G, p.His86Arg (NM_001322252.2); c.-295A>G (NM_001322258.2); short protein forms H86R.
Identifiers: ClinVar variation 2995506 (VCV002995506.3), dbSNP rs2494242078, ClinGen allele CA377086554.

ClinVar aggregate classification (germline): Uncertain significance (1 of 4 stars; one submission).

Conditions:
Early Myoclonic Encephalopathy. Identifiers: MedGen C0270855.

Submission:

Labcorp Genetics (formerly Invitae), Labcorp
Classification: Uncertain significance for Early Myoclonic Encephalopathy. Last evaluated: 2024-07-30. Review status: criteria provided, single submitter. Criteria: Invitae Variant Classification Sherloc (09022015). Collection method: clinical testing. Allele origin: germline.
Comment: This sequence change replaces histidine, which is basic and polar, with arginine, which is basic and polar, at codon 86 of the JMJD1C protein (p.His86Arg). This variant is not present in population databases (gnomAD no frequency). This variant has not been reported in the literature in individuals affected with JMJD1C-related conditions. An algorithm developed to predict the effect of missense changes on protein structure and function (PolyPhen-2) suggests that this variant is likely to be tolerated. In summary, the available evidence is currently insufficient to determine the role of this variant in disease. Therefore, it has been classified as a Variant of Uncertain Significance.